The following is an entry in ClinVar:

NM_006267.5(RANBP2):c.6605G>A (p.Gly2202Asp)

Gene: RANBP2 (RAN binding protein 2; plus strand). Cytogenetic location: 2q13.
Variant type: single nucleotide variant.
Coding change: c.6605G>A on transcript NM_006267.5 (MANE Select); coding-DNA position 6605, G replaced by A.
Protein change: p.Gly2202Asp; replaces glycine 2202 with aspartic acid.
Molecular consequence: missense variant.
Genome position (GRCh38, 1-based): chr2:108,767,144, G>A. VCF-style: chr2-108767144-G-A. GRCh37 (hg19) VCF-style: chr2-109383600-G-A.
Other names: short protein forms G2202D.
Identifiers: ClinVar variation 961954 (VCV000961954.10), dbSNP rs763085166, ClinGen allele CA1823455.
Genomic context (GRCh38, chr2:108,767,144, plus strand): 5'-CATTTTTGACAAATGATCAAACAAAAGTCACTGAGGAAGAAAATAAGGGTTCAGGTACAG[G>A]TGCGGCCGGTGCCTCAGACACAACAATAAAACCCAATCCTGAAAACACTGGGCCCACATT-3'
Protein context (NP_006258.3, residues 2192-2212): TEEENKGSGT[Gly2202Asp]AAGASDTTIK

ClinVar aggregate classification (germline): Uncertain significance (1 of 4 stars; one submission).

Conditions:
Familial acute necrotizing encephalopathy (IIAE3). Also called: ENCEPHALOPATHY, ACUTE, INFECTION-INDUCED, SUSCEPTIBILITY TO, 3; Susceptibility to Acute Necrotizing Encephalopathy 1. Identifiers: Orphanet 88619, MedGen C2675556, MONDO:0011953, OMIM 608033.

Allele frequency attached by ClinVar (database versions not stated): gnomAD exomes below 0.00001; TOPMed below 0.00001; ExAC 0.00001.
gnomAD v4.1: 6 of 1,611,982 alleles (0.00037%); highest among the groups gnomAD compares: Non-Finnish European, 0.00051%; no homozygotes.

Submission:

Labcorp Genetics (formerly Invitae), Labcorp
Classification: Uncertain significance for Familial acute necrotizing encephalopathy. Last evaluated: 2022-08-15. Review status: criteria provided, single submitter. Criteria: Invitae Variant Classification Sherloc (09022015). Collection method: clinical testing. Allele origin: germline.
Comment: This variant has not been reported in the literature in individuals affected with RANBP2-related conditions. This variant is present in population databases (rs763085166, gnomAD 0.0009%). This sequence change replaces glycine, which is neutral and non-polar, with aspartic acid, which is acidic and polar, at codon 2202 of the RANBP2 protein (p.Gly2202Asp). ClinVar contains an entry for this variant (Variation ID: 961954). In summary, the available evidence is currently insufficient to determine the role of this variant in disease. Therefore, it has been classified as a Variant of Uncertain Significance. Algorithms developed to predict the effect of missense changes on protein structure and function output the following: SIFT: "Tolerated"; PolyPhen-2: "Benign"; Align-GVGD: "Class C0". The aspartic acid amino acid residue is found in multiple mammalian species, which suggests that this missense change does not adversely affect protein function.